The following is an entry in ClinVar:

NM_001267550.2(TTN):c.10563G>A (p.Met3521Ile)

Gene: TTN (titin; minus strand). Cytogenetic location: 2q31.2.
Variant type: single nucleotide variant.
Coding change: c.10563G>A on transcript NM_001267550.2 (MANE Select); coding-DNA position 10563, G replaced by A.
Protein change: p.Met3521Ile; replaces methionine 3521 with isoleucine.
Molecular consequence: missense variant. On other transcripts: intron variant (5).
Genome position (GRCh38, 1-based): chr2:178,757,657, C>T on the plus strand (G>A on the coding strand, the complement: TTN is on the minus strand). VCF-style: chr2-178757657-C-T. GRCh37 (hg19) VCF-style: chr2-179622384-C-T.
Other names: c.10425G>A, p.Met3475Ile (NM_133432.3); c.10165+1327G>A (NM_003319.4); c.10166-860G>A (NM_133437.4); c.10303+1327G>A (NM_133378.4, NM_001256850.1, NM_133379.5); short protein forms M3475I, M3521I.
Identifiers: ClinVar variation 2651713 (VCV002651713.24), dbSNP rs2531841055, ClinGen allele CA349671899.

ClinVar aggregate classification (germline): Uncertain significance (1 of 4 stars; one submission).

Submission:

CeGaT Center for Human Genetics Tuebingen
Classification: Uncertain significance. Last evaluated: 2022-06-01. Review status: criteria provided, single submitter. Criteria: CeGaT Center For Human Genetics Tuebingen Variant Classification Criteria Version 2. Collection method: clinical testing. Allele origin: germline. Affected: yes. Observed: 1 variant allele.
Comment: TTN: PM2, BP4